The following is an entry in ClinVar:

NM_005321.3(H1-4):c.204C>T (p.Ala68=)

Gene: H1-4 (H1.4 linker histone, cluster member; plus strand). Cytogenetic location: 6p22.2.
Variant type: single nucleotide variant.
Coding change: c.204C>T on transcript NM_005321.3 (MANE Select); coding-DNA position 204, C replaced by T.
Protein change: p.Ala68=; no amino-acid change (alanine 68 retained).
Molecular consequence: synonymous variant.
Genome position (GRCh38, 1-based): chr6:26,156,594, C>T. VCF-style: chr6-26156594-C-T. GRCh37 (hg19) VCF-style: chr6-26156822-C-T.
Identifiers: ClinVar variation 3025631 (VCV003025631.22), dbSNP rs148757707, ClinGen allele CA3667967.

ClinVar aggregate classification (germline): Likely benign (1 of 4 stars; one submission).

Allele frequency attached by ClinVar (database versions not stated): 1000 Genomes Project 0.00020; 1000 Genomes Project 30x 0.00031.
gnomAD v4.1: 42 of 1,614,212 alleles (0.0026%); highest among the groups gnomAD compares: Middle Eastern, 0.017%; no homozygotes.

Submission:

CeGaT Center for Human Genetics Tuebingen
Classification: Likely benign. Last evaluated: 2023-12-01. Review status: criteria provided, single submitter. Criteria: CeGaT Center For Human Genetics Tuebingen Variant Classification Criteria Version 2. Collection method: clinical testing. Allele origin: germline. Affected: yes. Observed: 1 variant allele.
Comment: H1-4: BP4, BP7